The following is an entry in ClinVar:

ClinVar aggregate classification (germline): Pathogenic (1 of 4 stars; one submission).

Submission:

Labcorp Genetics (formerly Invitae), Labcorp
Classification: Pathogenic. Last evaluated: 2023-06-06. Review status: criteria provided, single submitter. Criteria: Invitae Variant Classification Sherloc (09022015). Collection method: clinical testing. Allele origin: germline.
Comment: This sequence change creates a premature translational stop signal (p.Glu527*) in the TRIM37 gene. It is expected to result in an absent or disrupted protein product. Loss-of-function variants in TRIM37 are known to be pathogenic (PMID: 10888877, 15108285). This variant is not present in population databases (gnomAD no frequency). For these reasons, this variant has been classified as Pathogenic. This variant has not been reported in the literature in individuals affected with TRIM37-related conditions.

Literature cited by the submitters: PubMed 10888877; PubMed 15108285.

NM_015294.6(TRIM37):c.1579G>T (p.Glu527Ter)

Gene: TRIM37 (tripartite motif containing 37; minus strand). Cytogenetic location: 17q22.
Variant type: single nucleotide variant.
Coding change: c.1579G>T on transcript NM_015294.6 (MANE Select); coding-DNA position 1579, G replaced by T.
Protein change: p.Glu527Ter; replaces glutamic acid 527 with a stop codon.
Molecular consequence: nonsense. On other transcripts: non-coding transcript variant (2).
Genome position (GRCh38, 1-based): chr17:59,047,771, C>A on the plus strand (G>T on the coding strand, the complement: TRIM37 is on the minus strand). VCF-style: chr17-59047771-C-A. GRCh37 (hg19) VCF-style: chr17-57125132-C-A.
Other names: c.1579G>T, p.Glu527Ter (NM_001005207.5, NM_001320988.3, NM_001320989.3 and 1 more transcripts); c.1477G>T, p.Glu493Ter (NM_001320987.3, NM_001353082.2); c.1213G>T, p.Glu405Ter (NM_001320990.3); c.844G>T, p.Glu282Ter (NM_001353083.2); c.1117G>T, p.Glu373Ter (NM_001353085.2); c.1528G>T, p.Glu510Ter (NM_001353086.2); short protein forms E373*, E493*, E527*, E282*, E510*, E405*.
Identifiers: ClinVar variation 2959944 (VCV002959944.3), dbSNP rs2039966813, ClinGen allele CA400400304.